The following is an entry in ClinVar:

NM_006517.5(SLC16A2):c.225C>A (p.His75Gln)

Gene: SLC16A2 (solute carrier family 16 member 2; plus strand). Cytogenetic location: Xq13.2.
Variant type: single nucleotide variant.
Coding change: c.225C>A on transcript NM_006517.5 (MANE Select); coding-DNA position 225, C replaced by A.
Protein change: p.His75Gln; replaces histidine 75 with glutamine.
Molecular consequence: missense variant.
Genome position (GRCh38, 1-based): chrX:74,421,862, C>A. VCF-style: chrX-74421862-C-A. GRCh37 (hg19) VCF-style: chrX-73641697-C-A.
Other names: short protein forms H75Q.
Identifiers: ClinVar variation 4740965 (VCV004740965.1).
Genomic context (GRCh38, chrX:74,421,862, plus strand): 5'-CCAGCCCCTACCGGACCCCGCACCCCTGCCGGAGCTGGAGTTCGAGTCCGAGCGGGTGCA[C>A]GAACCCGAGCCCACGCCTACGGTAGAGACCCGCGGCACCGCGCGCGGCTTCCAGCCTCCC-3'
Protein context (NP_006508.2, residues 65-85): PELEFESERV[His75Gln]EPEPTPTVET

ClinVar aggregate classification (germline): Uncertain significance (1 of 4 stars; one submission).

Conditions:
Spastic paraplegia. Identifiers: MedGen C0037772, HP:0001258.

Submission:

Labcorp Genetics (formerly Invitae), Labcorp
Classification: Uncertain significance for Spastic paraplegia. Last evaluated: 2025-12-02. Review status: criteria provided, single submitter. Criteria: Invitae Variant Classification Sherloc (09022015). Collection method: clinical testing. Allele origin: germline.
Comment: This sequence change replaces histidine, which is basic and polar, with glutamine, which is neutral and polar, at codon 75 of the SLC16A2 protein (p.His75Gln). This variant is not present in population databases (gnomAD no frequency). This variant has not been reported in the literature in individuals affected with SLC16A2-related conditions. Invitae Evidence Modeling of protein sequence and biophysical properties (such as structural, functional, and spatial information, amino acid conservation, physicochemical variation, residue mobility, and thermodynamic stability) indicates that this missense variant is not expected to disrupt SLC16A2 protein function with a negative predictive value of 95%. In summary, the available evidence is currently insufficient to determine the role of this variant in disease. Therefore, it has been classified as a Variant of Uncertain Significance.